The following is an entry in ClinVar:

NM_015512.5(DNAH1):c.124C>A (p.Leu42Ile)

Gene: DNAH1 (dynein axonemal heavy chain 1; plus strand). Cytogenetic location: 3p21.1.
Variant type: single nucleotide variant.
Coding change: c.124C>A on transcript NM_015512.5 (MANE Select); coding-DNA position 124, C replaced by A.
Protein change: p.Leu42Ile; replaces leucine 42 with isoleucine.
Molecular consequence: missense variant.
Genome position (GRCh38, 1-based): chr3:52,322,566, C>A. VCF-style: chr3-52322566-C-A. GRCh37 (hg19) VCF-style: chr3-52356582-C-A.
Other names: short protein forms L42I.
Identifiers: ClinVar variation 2941751 (VCV002941751.3), dbSNP rs1701186408, ClinGen allele CA353084029.
Genomic context (GRCh38, chr3:52,322,566, plus strand): 5'-AGTGCTCCTGCAGTCCAAGTGGGGACCCACAGGGGCCTAGAGTATAACCCGGGGAAGATT[C>A]TTCCAGGATCAGACTATGGGTTGGGAAATCCTCCAGCCCTTGACCCCAAGCTCCCACATT-3'
Protein context (NP_056327.4, residues 32-52): RGLEYNPGKI[Leu42Ile]PGSDYGLGNP

ClinVar aggregate classification (germline): Uncertain significance (1 of 4 stars; one submission).

Conditions:
Spermatogenic failure 18. Identifiers: MedGen C4539783, MONDO:0054615, OMIM 617576.
Ciliary dyskinesia, primary, 37 (CILD37). Also called: CILIARY DYSKINESIA, PRIMARY, 37, WITH OR WITHOUT SITUS INVERSUS. Identifiers: MedGen C4539798, MONDO:0033204, OMIM 617577.

Submission:

Labcorp Genetics (formerly Invitae), Labcorp
Classification: Uncertain significance for Ciliary dyskinesia, primary, 37; Spermatogenic failure 18. Last evaluated: 2022-11-23. Review status: criteria provided, single submitter. Criteria: Invitae Variant Classification Sherloc (09022015). Collection method: clinical testing. Allele origin: germline.
Comment: In summary, the available evidence is currently insufficient to determine the role of this variant in disease. Therefore, it has been classified as a Variant of Uncertain Significance. Algorithms developed to predict the effect of missense changes on protein structure and function are either unavailable or do not agree on the potential impact of this missense change (SIFT: "Deleterious"; PolyPhen-2: "Benign"; Align-GVGD: "Class C0"). This variant has not been reported in the literature in individuals affected with DNAH1-related conditions. This variant is not present in population databases (gnomAD no frequency). This sequence change replaces leucine, which is neutral and non-polar, with isoleucine, which is neutral and non-polar, at codon 42 of the DNAH1 protein (p.Leu42Ile).